The following is an entry in ClinVar:

NM_000051.4(ATM):c.6976-5T>G

Genes: ATM (ATM serine/threonine kinase; plus strand), C11orf65 (chromosome 11 open reading frame 65; minus strand). Cytogenetic location: 11q22.3.
Variant type: single nucleotide variant.
Coding change: c.6976-5T>G on transcript NM_000051.4 (MANE Select); 5 bases into the intron before coding-DNA position 6976, T replaced by G.
Molecular consequence: intron variant.
Genome position (GRCh38, 1-based): chr11:108,327,640, T>G. VCF-style: chr11-108327640-T-G. GRCh37 (hg19) VCF-style: chr11-108198367-T-G.
Other names: c.6976-5T>G (NM_001351834.2); c.641-18569A>C (NM_001330368.2); c.*38+7580A>C (NM_001351110.2).
Identifiers: ClinVar variation 2054453 (VCV002054453.4), dbSNP rs1555120913, ClinGen allele CA2580083165.

ClinVar aggregate classification (germline): Uncertain significance (1 of 4 stars; one submission).

Conditions:
Ataxia-telangiectasia syndrome (AT). Also called: Ataxia-telangiectasia, complementation group D; AT, COMPLEMENTATION GROUP C; ATAXIA-TELANGIECTASIA, COMPLEMENTATION GROUP A; ATAXIA-TELANGIECTASIA, FRESNO VARIANT; Ataxia-telangiectasia, complementation group E; LOUIS-BAR SYNDROME. Identifiers: Orphanet 100, MedGen C0004135, MONDO:0008840, OMIM 208900.

Submission:

Labcorp Genetics (formerly Invitae), Labcorp
Classification: Uncertain significance for Ataxia-telangiectasia syndrome. Last evaluated: 2021-12-23. Review status: criteria provided, single submitter. Criteria: Invitae Variant Classification Sherloc (09022015). Collection method: clinical testing. Allele origin: germline.
Comment: This sequence change falls in intron 47 of the ATM gene. It does not directly change the encoded amino acid sequence of the ATM protein. This variant is not present in population databases (gnomAD no frequency). This variant has not been reported in the literature in individuals affected with ATM-related conditions. Algorithms developed to predict the effect of sequence changes on RNA splicing suggest that this variant may disrupt the consensus splice site. In summary, the available evidence is currently insufficient to determine the role of this variant in disease. Therefore, it has been classified as a Variant of Uncertain Significance.